The following is an entry in ClinVar:

ClinVar aggregate classification (germline): Benign/Likely benign. Review status: criteria provided, multiple submitters, no conflicts (2 of 4 stars). 4 submissions from 4 submitters: Benign (1); Likely benign (3). Last evaluated 2026-01-01.

Conditions:
KBG syndrome (KBGS). Also called: ANKRD11-Related KBG Syndrome. Identifiers: Orphanet 2332, MedGen C0220687, MONDO:0007846, OMIM 148050.
Inborn genetic diseases. Identifiers: MedGen C0950123, MeSH D030342.

Allele frequency attached by ClinVar (database versions not stated): ESP Exome Variant Server 0.00023.
gnomAD v4.1: 56 of 1,613,788 alleles (0.0035%); highest among the groups gnomAD compares: Admixed American, 0.01%; no homozygotes.

Submissions (4):

CeGaT Center for Human Genetics Tuebingen
Classification: Likely benign. Last evaluated: 2026-01-01. Review status: criteria provided, single submitter. Criteria: CeGaT Center For Human Genetics Tuebingen Variant Classification Criteria Version 2. Collection method: clinical testing. Allele origin: germline. Affected: yes. Observed: 1 variant allele.
Comment: ANKRD11: BP4, BP7

Labcorp Genetics (formerly Invitae), Labcorp
Classification: Benign for KBG syndrome. Last evaluated: 2024-10-23. Review status: criteria provided, single submitter. Criteria: Invitae Variant Classification Sherloc (09022015). Collection method: clinical testing. Allele origin: germline.

Blueprint Genetics
Classification: Likely benign. Last evaluated: 2022-11-22. Review status: criteria provided, single submitter. Criteria: ACMG Guidelines, 2015. Collection method: clinical testing. Allele origin: germline.

Ambry Genetics
Classification: Likely benign for Inborn genetic diseases. Last evaluated: 2018-10-15. Review status: criteria provided, single submitter. Criteria: Ambry Variant Classification Scheme 2023. Collection method: clinical testing. Allele origin: germline.

NM_013275.6(ANKRD11):c.3825C>T (p.Asp1275=)

Gene: ANKRD11 (ankyrin repeat domain 11; minus strand). Cytogenetic location: 16q24.3.
Variant type: single nucleotide variant.
Coding change: c.3825C>T on transcript NM_013275.6 (MANE Select); coding-DNA position 3825, C replaced by T.
Protein change: p.Asp1275=; no amino-acid change (aspartic acid 1275 retained).
Molecular consequence: synonymous variant.
Genome position (GRCh38, 1-based): chr16:89,282,717, G>A on the plus strand (C>T on the coding strand, the complement: ANKRD11 is on the minus strand). VCF-style: chr16-89282717-G-A. GRCh37 (hg19) VCF-style: chr16-89349125-G-A.
Other names: c.3825C>T, p.Asp1275= (NM_001256182.2, NM_001256183.2).
Identifiers: ClinVar variation 1735293 (VCV001735293.12), dbSNP rs143240956, ClinGen allele CA8242282.